The following is an entry in ClinVar:

ClinVar aggregate classification (germline): Uncertain significance (1 of 4 stars; one submission).

Conditions:
POLR2A-related disorder. Also called: POLR2A-related condition.

Submission:

PreventionGenetics, part of Exact Sciences
Classification: Uncertain significance for POLR2A-related condition. Last evaluated: 2025-01-07. Review status: criteria provided, single submitter. Criteria: ACMG Guidelines, 2015. Collection method: clinical testing. Allele origin: germline.
Comment: The POLR2A c.3977_3980dupGGGA variant is predicted to result in a frameshift and premature protein termination (p.Phe1328Glyfs*23). To our knowledge, this variant has not been reported in the literature or in a large population database (gnomAD), indicating this variant is rare. At this time, the clinical significance of this variant is uncertain due to the absence of conclusive functional and genetic evidence.

NM_000937.5(POLR2A):c.3977_3980dup (p.Phe1328fs)

Genes: POLR2A (RNA polymerase II subunit A; plus strand), LOC126862482 (CDK7 strongly-dependent group 2 enhancer GRCh37_chr17:7414586-7415785; plus strand). Cytogenetic location: 17p13.1.
Variant type: Duplication.
Coding change: c.3977_3980dup on transcript NM_000937.5 (MANE Select); coding-DNA positions 3977 to 3980, 4 bases duplicated (GGGA; older notation c.3977_3980dupGGGA).
Protein change: p.Phe1328fs; shifts the reading frame from phenylalanine 1328.
Molecular consequence: frameshift variant.
Genome position (GRCh38, 1-based): chr17:7,511,464-7,511,467, GGGA duplicated. VCF-style (leftmost placement, unchanged base first): chr17-7511463-G-GGGGA. GRCh37 (hg19) VCF-style: chr17-7414782-G-GGGGA.
Other names: short protein forms F1328fs.
Identifiers: ClinVar variation 4999616 (VCV004999616.1).